The following is an entry in ClinVar:

ClinVar aggregate classification (germline): Uncertain significance. Review status: criteria provided, multiple submitters, no conflicts (2 of 4 stars). 2 submissions from 2 submitters: Uncertain significance (2). Last evaluated 2025-03-12.

Conditions:
Inborn genetic diseases. Identifiers: MedGen C0950123, MeSH D030342.

gnomAD v4.1: 1 of 1,613,874 alleles (0.000062%); highest among the groups gnomAD compares: East Asian, 0.0022%; no homozygotes.

Submissions (2):

Labcorp Genetics (formerly Invitae), Labcorp
Classification: Uncertain significance. Last evaluated: 2025-03-12. Review status: criteria provided, single submitter. Criteria: Invitae Variant Classification Sherloc (09022015). Collection method: clinical testing. Allele origin: germline.
Comment: This sequence change replaces histidine, which is basic and polar, with arginine, which is basic and polar, at codon 183 of the JAK1 protein (p.His183Arg). This variant is present in population databases (rs781009130, gnomAD 0.01%). This variant has not been reported in the literature in individuals affected with JAK1-related conditions. Invitae Evidence Modeling of protein sequence and biophysical properties (such as structural, functional, and spatial information, amino acid conservation, physicochemical variation, residue mobility, and thermodynamic stability) indicates that this missense variant is not expected to disrupt JAK1 protein function with a negative predictive value of 80%. In summary, the available evidence is currently insufficient to determine the role of this variant in disease. Therefore, it has been classified as a Variant of Uncertain Significance.

Ambry Genetics
Classification: Uncertain significance for Inborn genetic diseases. Last evaluated: 2025-02-07. Review status: criteria provided, single submitter. Criteria: Ambry Variant Classification Scheme 2023. Collection method: clinical testing. Allele origin: germline.

NM_002227.4(JAK1):c.548A>G (p.His183Arg)

Gene: JAK1 (Janus kinase 1; minus strand). Cytogenetic location: 1p31.3.
Variant type: single nucleotide variant.
Coding change: c.548A>G on transcript NM_002227.4 (MANE Select); coding-DNA position 548, A replaced by G.
Protein change: p.His183Arg; replaces histidine 183 with arginine.
Molecular consequence: missense variant.
Genome position (GRCh38, 1-based): chr1:64,869,410, T>C on the plus strand (A>G on the coding strand, the complement: JAK1 is on the minus strand). VCF-style: chr1-64869410-T-C. GRCh37 (hg19) VCF-style: chr1-65335093-T-C.
Other names: c.548A>G (NM_002227.2); c.548A>G, p.His183Arg (NM_001320923.2, NM_001321852.2, NM_001321853.2 and 4 more transcripts); short protein forms H183R.
Identifiers: ClinVar variation 3635828 (VCV003635828.3).
Genomic context (GRCh38, chr1:64,869,410, plus strand): 5'-ATCATGGCATAGTGTGAGATGGCCAGGACAGCCATCCCTAGACACTCGTTCTCAATATCA[T>C]GTCCATCCTGCTCGGTCTTGGGGTCTCGAATAGGAGCCAGGCATTTCACCAAATCATACT-3'
Protein context (NP_002218.2, residues 173-193): IRDPKTEQDG[His183Arg]DIENECLGMA